The following is an entry in ClinVar:

NC_000003.12:g.169764666C>T

Gene: TERC (telomerase RNA component; minus strand). Cytogenetic location: 3q26.2.
Variant type: single nucleotide variant.
Genome position: GRCh38 VCF-style: chr3-169764666-C-T. GRCh37 (hg19) VCF-style: chr3-169482454-C-T.
Identifiers: ClinVar variation 2803671 (VCV002803671.3), dbSNP rs1415109076, ClinGen allele CA436714848.

ClinVar aggregate classification (germline): Uncertain significance (1 of 4 stars; one submission).

Conditions:
Dyskeratosis congenita, autosomal dominant 1 (DKCA1). Also called: Dyskeratosis congenita Scoggins type. Identifiers: Orphanet 1775, MedGen C4551974, MONDO:0007485, OMIM 127550. Inheritance: Variable.

gnomAD v4.1: 1 of 752,248 alleles (0.00013%); highest among the groups gnomAD compares: South Asian, 0.0014%; no homozygotes.

Submission:

Labcorp Genetics (formerly Invitae), Labcorp
Classification: Uncertain significance for Dyskeratosis congenita, autosomal dominant 1. Last evaluated: 2025-05-21. Review status: criteria provided, single submitter. Criteria: Invitae Variant Classification Sherloc (09022015). Collection method: clinical testing. Allele origin: germline.
Comment: This variant occurs in the TERC gene, which encodes an RNA molecule that does not result in a protein product. This variant is not present in population databases (gnomAD no frequency). This variant has not been reported in the literature in individuals affected with TERC-related conditions. ClinVar contains an entry for this variant (Variation ID: 2803671). This variant is located within the BoxH/ACA scaRNA domain of the TERC RNA component, which is required for telomerase activity (PMID: 21844345). In summary, the available evidence is currently insufficient to determine the role of this variant in disease. Therefore, it has been classified as a Variant of Uncertain Significance.

Literature cited by the submitters: PubMed 21844345.